The following is an entry in ClinVar:

NM_031407.7(HUWE1):c.7729C>G (p.Leu2577Val)

Gene: HUWE1 (HECT, UBA and WWE domain containing E3 ubiquitin protein ligase 1; minus strand). Cytogenetic location: Xp11.22.
Variant type: single nucleotide variant.
Coding change: c.7729C>G on transcript NM_031407.7 (MANE Select); coding-DNA position 7729, C replaced by G.
Protein change: p.Leu2577Val; replaces leucine 2577 with valine.
Molecular consequence: missense variant.
Genome position (GRCh38, 1-based): chrX:53,560,195, G>C on the plus strand (C>G on the coding strand, the complement: HUWE1 is on the minus strand). VCF-style: chrX-53560195-G-C. GRCh37 (hg19) VCF-style: chrX-53587156-G-C.
Other names: short protein forms L2577V.
Identifiers: ClinVar variation 1698283 (VCV001698283.2), dbSNP rs2147608226, ClinGen allele CA413154385.

ClinVar aggregate classification (germline): Uncertain significance (1 of 4 stars; one submission).

Submission:

GeneDx
Classification: Uncertain significance. Last evaluated: 2022-01-21. Review status: criteria provided, single submitter. Criteria: GeneDx Variant Classification Process June 2021. Collection method: clinical testing. Allele origin: germline. Affected: yes.
Comment: Not observed at significant frequency in large population cohorts (gnomAD); In silico analysis supports that this missense variant does not alter protein structure/function; Has not been previously published as pathogenic or benign to our knowledge